The following is an entry in ClinVar:

NM_001060.6(TBXA2R):c.285G>A (p.Trp95Ter)

Gene: TBXA2R (thromboxane A2 receptor; minus strand). Cytogenetic location: 19p13.3.
Variant type: single nucleotide variant.
Coding change: c.285G>A on transcript NM_001060.6 (MANE Select); coding-DNA position 285, G replaced by A.
Protein change: p.Trp95Ter; replaces tryptophan 95 with a stop codon.
Molecular consequence: nonsense.
Genome position (GRCh38, 1-based): chr19:3,600,350, C>T on the plus strand (G>A on the coding strand, the complement: TBXA2R is on the minus strand). VCF-style: chr19-3600350-C-T. GRCh37 (hg19) VCF-style: chr19-3600348-C-T.
Other names: c.285G>A, p.Trp95Ter (NM_201636.3); short protein forms W95*.
Identifiers: ClinVar variation 3605622 (VCV003605622.2).
Genomic context (GRCh38, chr19:3,600,350, plus strand): 5'-GAAGAAGATCATGACGACGCCCATGAAGCGACAGAGACGGCAGCCAGGGTCCACGGCGTG[C>T]CACTCGAAGAGCGCGGCGTGCTGGGACACCACGATGGTACCGGTCACCAGCAGCCCCAGG-3'

ClinVar aggregate classification (germline): Uncertain significance (1 of 4 stars; one submission).

gnomAD v4.1: 1 of 1,613,292 alleles (0.000062%); highest among the groups gnomAD compares: Non-Finnish European, 0.000085%; no homozygotes.

Submission:

Labcorp Genetics (formerly Invitae), Labcorp
Classification: Uncertain significance. Last evaluated: 2025-01-15. Review status: criteria provided, single submitter. Criteria: Invitae Variant Classification Sherloc (09022015). Collection method: clinical testing. Allele origin: germline.
Comment: This sequence change creates a premature translational stop signal (p.Trp95*) in the TBXA2R gene. It is expected to result in an absent or disrupted protein product. However, the current clinical and genetic evidence is not sufficient to establish whether loss-of-function variants in TBXA2R cause disease. This variant is not present in population databases (gnomAD no frequency). This variant has not been reported in the literature in individuals affected with TBXA2R-related conditions. In summary, the available evidence is currently insufficient to determine the role of this variant in disease. Therefore, it has been classified as a Variant of Uncertain Significance.